The following is an entry in ClinVar:

ClinVar aggregate classification (germline): Uncertain significance (1 of 4 stars; one submission).

Conditions:
Baller-Gerold syndrome (BGS). Also called: CRANIOSYNOSTOSIS WITH RADIAL DEFECTS. Identifiers: Orphanet 1225, MedGen C0265308, MONDO:0009039, OMIM 218600.

Allele frequency attached by ClinVar (database versions not stated): gnomAD 0.00001.

Submission:

Labcorp Genetics (formerly Invitae), Labcorp
Classification: Uncertain significance for Baller-Gerold syndrome. Last evaluated: 2023-02-13. Review status: criteria provided, single submitter. Criteria: Invitae Variant Classification Sherloc (09022015). Collection method: clinical testing. Allele origin: germline.
Comment: In summary, the available evidence is currently insufficient to determine the role of this variant in disease. Therefore, it has been classified as a Variant of Uncertain Significance. Algorithms developed to predict the effect of sequence changes on RNA splicing suggest that this variant may disrupt the consensus splice site. ClinVar contains an entry for this variant (Variation ID: 1408569). This variant has not been reported in the literature in individuals affected with RECQL4-related conditions. This variant is not present in population databases (gnomAD no frequency). This sequence change falls in intron 1 of the RECQL4 gene. It does not directly change the encoded amino acid sequence of the RECQL4 protein.

NM_004260.4(RECQL4):c.85-6T>A

Genes: RECQL4 (RecQ like helicase 4; minus strand), LOC130001411 (ATAC-STARR-seq lymphoblastoid silent region 19699; plus strand). Cytogenetic location: 8q24.3.
Variant type: single nucleotide variant.
Coding change: c.85-6T>A on transcript NM_004260.4 (MANE Select); 6 bases into the intron before coding-DNA position 85, T replaced by A.
Molecular consequence: intron variant.
Genome position (GRCh38, 1-based): chr8:144,517,641, A>T on the plus strand (T>A on the coding strand, the complement: RECQL4 is on the minus strand). VCF-style: chr8-144517641-A-T. GRCh37 (hg19) VCF-style: chr8-145743025-A-T.
Identifiers: ClinVar variation 1408569 (VCV001408569.8), dbSNP rs1815408102, ClinGen allele CA1120283276.